The following is an entry in ClinVar:

NM_016239.4(MYO15A):c.5893C>T (p.Arg1965Cys)

Gene: MYO15A (myosin XVA; plus strand). Cytogenetic location: 17p11.2.
Variant type: single nucleotide variant.
Coding change: c.5893C>T on transcript NM_016239.4 (MANE Select); coding-DNA position 5893, C replaced by T.
Protein change: p.Arg1965Cys; replaces arginine 1965 with cysteine.
Molecular consequence: missense variant.
Genome position (GRCh38, 1-based): chr17:18,142,823, C>T. VCF-style: chr17-18142823-C-T. GRCh37 (hg19) VCF-style: chr17-18046137-C-T.
Other names: short protein forms R1965C.
Identifiers: ClinVar variation 228963 (VCV000228963.15), dbSNP rs374485649, ClinGen allele CA8424428.

ClinVar aggregate classification (germline): Conflicting classifications of pathogenicity. Review status: criteria provided, conflicting classifications (1 of 4 stars). 4 submissions from 4 submitters: Likely pathogenic (1); Uncertain significance (2); Likely benign (1). Last evaluated 2026-06-24.

Conditions:
Inborn genetic diseases. Identifiers: MedGen C0950123, MeSH D030342.

Allele frequency attached by ClinVar (database versions not stated): gnomAD exomes 0.00004; gnomAD 0.00006; ESP Exome Variant Server 0.00008; ExAC 0.00010; TOPMed 0.00008.
gnomAD v4.1: 133 of 1,612,782 alleles (0.0082%); highest among the groups gnomAD compares: Non-Finnish European, 0.01%; no homozygotes.

Submissions (4):

GeneDx
Classification: Likely pathogenic. Last evaluated: 2026-06-24. Review status: criteria provided, single submitter. Criteria: GeneDx Variant Classification Process June 2021. Collection method: clinical testing. Allele origin: germline.
Comment: Not observed at significant frequency in large population cohorts (gnomAD); In silico analysis supports that this missense variant has a deleterious effect on protein structure/function; Has not been previously published as pathogenic or benign to our knowledge

Labcorp Genetics (formerly Invitae), Labcorp
Classification: Likely benign. Last evaluated: 2025-08-14. Review status: criteria provided, single submitter. Criteria: Invitae Variant Classification Sherloc (09022015). Collection method: clinical testing. Allele origin: germline.

Ambry Genetics
Classification: Uncertain significance for Inborn genetic diseases. Last evaluated: 2025-02-19. Review status: criteria provided, single submitter. Criteria: Ambry Variant Classification Scheme 2023. Collection method: clinical testing. Allele origin: germline.

Laboratory for Molecular Medicine, Mass General Brigham Personalized Medicine
Classification: Uncertain significance. Last evaluated: 2016-01-21. Review status: criteria provided, single submitter. Criteria: LMM Criteria. Collection method: clinical testing. Allele origin: germline. Observed: 1 variant allele.
Comment: The p.Arg1965Cys variant in MYO15A has not been reported in individuals with hea ring loss, but has been identified in 8/55000 of European chromosomes by the Exo me Aggregation Consortium (ExAC; dbSNP rs3744856 49). Computational prediction tools and conservation analysis suggest that this variant may impact the protein, though this information is not predictive enough to determine pathogenicity. In summary, the clinical significance of the p.Arg1 965Cys variant is uncertain.